The following is an entry in ClinVar:

NM_002890.3(RASA1):c.1067T>C (p.Ile356Thr)

Genes: CCNH (cyclin H; minus strand), RASA1 (RAS p21 protein activator 1; plus strand). Cytogenetic location: 5q14.3.
Variant type: single nucleotide variant.
Coding change: c.1067T>C on transcript NM_002890.3 (MANE Select); coding-DNA position 1067, T replaced by C.
Protein change: p.Ile356Thr; replaces isoleucine 356 with threonine.
Molecular consequence: missense variant. On other transcripts: intron variant (1).
Genome position (GRCh38, 1-based): chr5:87,346,689, T>C. VCF-style: chr5-87346689-T-C. GRCh37 (hg19) VCF-style: chr5-86642506-T-C.
Other names: c.536T>C, p.Ile179Thr (NM_022650.3); c.934-33894A>G (NM_001364075.2); short protein forms I179T, I356T.
Identifiers: ClinVar variation 1462151 (VCV001462151.7), dbSNP rs1459576919, ClinGen allele CA360362920.

ClinVar aggregate classification (germline): Uncertain significance. Review status: criteria provided, multiple submitters, no conflicts (2 of 4 stars). 2 submissions from 2 submitters: Uncertain significance (2). Last evaluated 2025-06-03.

Conditions:
Capillary malformation-arteriovenous malformation syndrome. Also called: Capillary malformation-arteriovenous malformation. Identifiers: Orphanet 137667, MedGen C1842180, MONDO:0012016.
Cardiovascular phenotype. Identifiers: MedGen CN230736.

Allele frequency attached by ClinVar (database versions not stated): gnomAD 0.00001; TOPMed below 0.00001.

Submissions (2):

Labcorp Genetics (formerly Invitae), Labcorp
Classification: Uncertain significance for Capillary malformation-arteriovenous malformation syndrome. Last evaluated: 2025-06-03. Review status: criteria provided, single submitter. Criteria: Invitae Variant Classification Sherloc (09022015). Collection method: clinical testing. Allele origin: germline.
Comment: This sequence change replaces isoleucine, which is neutral and non-polar, with threonine, which is neutral and polar, at codon 356 of the RASA1 protein (p.Ile356Thr). This variant is not present in population databases (gnomAD no frequency). This variant has not been reported in the literature in individuals affected with RASA1-related conditions. ClinVar contains an entry for this variant (Variation ID: 1462151). An algorithm developed to predict the effect of missense changes on protein structure and function (PolyPhen-2) suggests that this variant is likely to be disruptive. In summary, the available evidence is currently insufficient to determine the role of this variant in disease. Therefore, it has been classified as a Variant of Uncertain Significance.

Ambry Genetics
Classification: Uncertain significance for Cardiovascular phenotype. Last evaluated: 2023-08-24. Review status: criteria provided, single submitter. Criteria: Ambry Variant Classification Scheme 2023. Collection method: clinical testing. Allele origin: germline.
Comment: The p.I356T variant (also known as c.1067T>C), located in coding exon 7 of the RASA1 gene, results from a T to C substitution at nucleotide position 1067. The isoleucine at codon 356 is replaced by threonine, an amino acid with similar properties. This amino acid position is conserved. In addition, this alteration is predicted to be deleterious by in silico analysis. Since supporting evidence is limited at this time, the clinical significance of this alteration remains unclear.